The following is an entry in ClinVar:

ClinVar aggregate classification (germline): Likely benign. Review status: criteria provided, multiple submitters, no conflicts (2 of 4 stars). 3 submissions from 3 submitters: Likely benign (3). Last evaluated 2023-12-09.

Conditions:
Retinoblastoma (RB1). Also called: RETINOBLASTOMA, SOMATIC. Identifiers: Orphanet 790, MedGen C0035335, MeSH D012175, MONDO:0008380, OMIM 180200, HP:0009919. Disease mechanism: loss of function. Inheritance: Both sporadic and heritable forms are tested..
Hereditary cancer-predisposing syndrome. Also called: Neoplastic Syndromes, Hereditary; Hereditary Cancer Syndrome; Tumor predisposition; Hereditary neoplastic syndrome. Identifiers: Orphanet 140162, MedGen C0027672, MeSH D009386, MONDO:0015356.

Allele frequency attached by ClinVar (database versions not stated): gnomAD exomes below 0.00001.
gnomAD v4.1: 1 of 1,613,536 alleles (0.000062%); highest among the groups gnomAD compares: East Asian, 0.0022%; no homozygotes.

Submissions (3):

All of Us Research Program, National Institutes of Health
Classification: Likely benign for Retinoblastoma. Last evaluated: 2023-12-09. Review status: criteria provided, single submitter. Criteria: ACMG Guidelines, 2015. Collection method: clinical testing. Allele origin: germline. Inheritance: Autosomal dominant inheritance. Observed: 2 variant alleles, 2 heterozygotes.
Comment: This study involves interpretation of variants in research participants for the purpose of population health screening. Participant phenotype was not available at the time of variant classification. Additional details can be found in publication PMID: 35346344, PMCID: PMC8962531

Ambry Genetics
Classification: Likely benign for Hereditary cancer-predisposing syndrome. Last evaluated: 2023-02-28. Review status: criteria provided, single submitter. Criteria: Ambry Variant Classification Scheme 2023. Collection method: clinical testing. Allele origin: germline.

Labcorp Genetics (formerly Invitae), Labcorp
Classification: Likely benign for Retinoblastoma. Last evaluated: 2022-01-22. Review status: criteria provided, single submitter. Criteria: Invitae Variant Classification Sherloc (09022015). Collection method: clinical testing. Allele origin: germline.

NM_000321.3(RB1):c.2658T>C (p.Asp886=)

Gene: RB1 (RB transcriptional corepressor 1; plus strand). Cytogenetic location: 13q14.2.
Variant type: single nucleotide variant.
Coding change: c.2658T>C on transcript NM_000321.3 (MANE Select); coding-DNA position 2658, T replaced by C.
Protein change: p.Asp886=; no amino-acid change (aspartic acid 886 retained).
Molecular consequence: synonymous variant.
Genome position (GRCh38, 1-based): chr13:48,476,838, T>C. VCF-style: chr13-48476838-T-C. GRCh37 (hg19) VCF-style: chr13-49050974-T-C.
Other names: c.2658T>C (NM_000321.2).
Identifiers: ClinVar variation 1131142 (VCV001131142.11), dbSNP rs1179137535, ClinGen allele CA483561118.